The following is an entry in ClinVar:

NM_001277115.2(DNAH11):c.1298C>T (p.Ser433Phe)

Gene: DNAH11 (dynein axonemal heavy chain 11; plus strand). Cytogenetic location: 7p15.3.
Variant type: single nucleotide variant.
Coding change: c.1298C>T on transcript NM_001277115.2 (MANE Select); coding-DNA position 1298, C replaced by T.
Protein change: p.Ser433Phe; replaces serine 433 with phenylalanine.
Molecular consequence: missense variant.
Genome position (GRCh38, 1-based): chr7:21,570,172, C>T. VCF-style: chr7-21570172-C-T. GRCh37 (hg19) VCF-style: chr7-21609790-C-T.
Other names: c.1298C>T, p.Ser433Phe (NM_003777.3); short protein forms S433F.
Identifiers: ClinVar variation 2184451 (VCV002184451.1), dbSNP rs1783829075, ClinGen allele CA366934756.

ClinVar aggregate classification (germline): Uncertain significance (1 of 4 stars; one submission).

Conditions:
Primary ciliary dyskinesia. Also called: Ciliary dyskinesia. Identifiers: Orphanet 244, MedGen C0008780, MONDO:0016575, HP:0012265.

Submission:

Labcorp Genetics (formerly Invitae), Labcorp
Classification: Uncertain significance for Primary ciliary dyskinesia. Last evaluated: 2022-10-05. Review status: criteria provided, single submitter. Criteria: Invitae Variant Classification Sherloc (09022015). Collection method: clinical testing. Allele origin: germline.
Comment: This sequence change replaces serine, which is neutral and polar, with phenylalanine, which is neutral and non-polar, at codon 433 of the DNAH11 protein (p.Ser433Phe). This variant is not present in population databases (gnomAD no frequency). This variant has not been reported in the literature in individuals affected with DNAH11-related conditions. Advanced modeling of protein sequence and biophysical properties (such as structural, functional, and spatial information, amino acid conservation, physicochemical variation, residue mobility, and thermodynamic stability) performed at Invitae indicates that this missense variant is not expected to disrupt DNAH11 protein function. In summary, the available evidence is currently insufficient to determine the role of this variant in disease. Therefore, it has been classified as a Variant of Uncertain Significance.